The following is an entry in ClinVar:

NM_001080517.3(SETD5):c.2781dup (p.Asn928Ter)

Gene: SETD5 (SET domain containing 5; plus strand). Cytogenetic location: 3p25.3.
Variant type: Duplication.
Coding change: c.2781dup on transcript NM_001080517.3 (MANE Select); coding-DNA position 2781, one base duplicated (T; older notation c.2781dupT).
Protein change: p.Asn928Ter; replaces asparagine 928 with a stop codon.
Molecular consequence: nonsense.
Genome position (GRCh38, 1-based): chr3:9,470,515, T duplicated. VCF-style (leftmost placement, unchanged base first): chr3-9470514-C-CT. GRCh37 (hg19) VCF-style: chr3-9512198-C-CT.
Other names: c.2487dup, p.Asn830Ter (NM_001292043.2, NM_001349451.2); c.2877dup, p.Asn960Ter (NM_001437633.1); c.2895dup, p.Asn966Ter (NM_001437635.1); c.2838dup, p.Asn947Ter (NM_001437643.1); c.2820dup, p.Asn941Ter (NM_001437701.1); short protein forms N928*, N966*, N941*, N960*, N830*, N947*.
Identifiers: ClinVar variation 4727756 (VCV004727756.1).
Genomic context (GRCh38, chr3:9,470,514, plus strand): 5'-TTCAGCTTTGTCACCGAAAAGACCTGGATTTGGCAAAAGTAGGATACCTTGACTCCAACA[C>CT]TAACAGCTGTGCTGATAGACCTTCCCTACTCAACTCAGGTCATTCTGACCTGGCTCCTCA-3'

ClinVar aggregate classification (germline): Pathogenic (1 of 4 stars; one submission).

Submission:

Labcorp Genetics (formerly Invitae), Labcorp
Classification: Pathogenic. Last evaluated: 2025-09-23. Review status: criteria provided, single submitter. Criteria: Invitae Variant Classification Sherloc (09022015). Collection method: clinical testing. Allele origin: germline.
Comment: This sequence change creates a premature translational stop signal (p.Asn928*) in the SETD5 gene. It is expected to result in an absent or disrupted protein product. Loss-of-function variants in SETD5 are known to be pathogenic (PMID: 24680889). This variant is not present in population databases (gnomAD no frequency). This variant has not been reported in the literature in individuals affected with SETD5-related conditions. Algorithms developed to predict the effect of sequence changes on RNA splicing suggest that this variant may disrupt the consensus splice site. For these reasons, this variant has been classified as Pathogenic.

Literature cited by the submitters: PubMed 24680889.